The following is an entry in ClinVar:

ClinVar aggregate classification (germline): Uncertain significance. Review status: criteria provided, multiple submitters, no conflicts (2 of 4 stars). 2 submissions from 2 submitters: Uncertain significance (2). Last evaluated 2026-03-02.

Conditions:
Inborn genetic diseases. Identifiers: MedGen C0950123, MeSH D030342.

Allele frequency attached by ClinVar (database versions not stated): TOPMed below 0.00001.
gnomAD v4.1: 4 of 1,613,876 alleles (0.00025%); highest among the groups gnomAD compares: Non-Finnish European, 0.00034%; no homozygotes.

Submissions (2):

Ambry Genetics
Classification: Uncertain significance for Inborn genetic diseases. Last evaluated: 2026-03-02. Review status: criteria provided, single submitter. Criteria: Ambry Variant Classification Scheme 2023. Collection method: clinical testing. Allele origin: germline.
Comment: The p.E1060D variant (also known as c.3180G>T), located in coding exon 24 of the ANKRD26 gene, results from a G to T substitution at nucleotide position 3180. The glutamic acid at codon 1060 is replaced by aspartic acid, an amino acid with highly similar properties. This amino acid position is conserved. In addition, this alteration is predicted to be tolerated by in silico analysis. Based on the available evidence, the clinical significance of this variant remains unclear.

Labcorp Genetics (formerly Invitae), Labcorp
Classification: Uncertain significance. Last evaluated: 2023-10-06. Review status: criteria provided, single submitter. Criteria: Invitae Variant Classification Sherloc (09022015). Collection method: clinical testing. Allele origin: germline.
Comment: This sequence change replaces glutamic acid, which is acidic and polar, with aspartic acid, which is acidic and polar, at codon 1060 of the ANKRD26 protein (p.Glu1060Asp). This variant is present in population databases (no rsID available, gnomAD 0.0009%). This variant has not been reported in the literature in individuals affected with ANKRD26-related conditions. ClinVar contains an entry for this variant (Variation ID: 2181614). Algorithms developed to predict the effect of missense changes on protein structure and function output the following: SIFT: "Not Available"; PolyPhen-2: "Probably Damaging"; Align-GVGD: "Not Available". The aspartic acid amino acid residue is found in multiple mammalian species, which suggests that this missense change does not adversely affect protein function. In summary, the available evidence is currently insufficient to determine the role of this variant in disease. Therefore, it has been classified as a Variant of Uncertain Significance.

NM_014915.3(ANKRD26):c.3180G>T (p.Glu1060Asp)

Gene: ANKRD26 (ankyrin repeat domain 26; minus strand). Cytogenetic location: 10p12.1.
Variant type: single nucleotide variant.
Coding change: c.3180G>T on transcript NM_014915.3 (MANE Select); coding-DNA position 3180, G replaced by T.
Protein change: p.Glu1060Asp; replaces glutamic acid 1060 with aspartic acid.
Molecular consequence: missense variant.
Genome position (GRCh38, 1-based): chr10:27,035,270, C>A on the plus strand (G>T on the coding strand, the complement: ANKRD26 is on the minus strand). VCF-style: chr10-27035270-C-A. GRCh37 (hg19) VCF-style: chr10-27324199-C-A.
Other names: c.3177G>T, p.Glu1059Asp (NM_001256053.2); short protein forms E1059D, E1060D.
Identifiers: ClinVar variation 2181614 (VCV002181614.5), dbSNP rs1021758977, ClinGen allele CA204449302.